The following is an entry in ClinVar:

ClinVar aggregate classification (germline): Pathogenic/Likely pathogenic. Review status: criteria provided, multiple submitters, no conflicts (2 of 4 stars). 6 submissions from 6 submitters: Pathogenic (4); Likely pathogenic (1). 1 of the submissions does not count toward it. Last evaluated 2025-06-04.

Conditions:
Bardet-Biedl syndrome (BBS). Identifiers: Orphanet 110, MedGen C0752166, MONDO:0015229.
BBS10-related disorder. Also called: BBS10-related condition.
Bardet-Biedl syndrome 10 (BBS10). Identifiers: Orphanet 110, MedGen C1859568, MONDO:0014438, OMIM 615987.

Submissions (6):

Natera, Inc.
Classification: Likely pathogenic for Bardet-Biedl syndrome type 10. Last evaluated: 2025-06-04. Review status: criteria provided, single submitter. Criteria: Natera Variant Classification Schema (03/2026). Collection method: clinical testing. Allele origin: germline.
Comment: The c.1510_1511delAT variant in BBS10 is a frameshift variant predicted to shift the reading frame beginning at codon 504 and leads to a stop codon 17 codons downstream. This variant is expected to result in nonsense mediated decay, truncation, or a dysfunctional protein product. This variant is rare in the general population with a frequency below the threshold expected for the associated phenotype(s). This variant has been observed in one or more individuals affected with the associated recessive disease, as either homozygous or compound heterozygous with a second variant (PMID: 38576124, 24611592). Additionally, this variant has been observed to segregate in affected family members (PMID: 35835773). Given the available evidence, this variant is classified as Likely Pathogenic.

PreventionGenetics, part of Exact Sciences
Classification: Pathogenic for BBS10-related condition. Last evaluated: 2025-05-09. Review status: criteria provided, single submitter. Criteria: ACMG Guidelines, 2015. Collection method: clinical testing. Allele origin: germline.
Comment: The BBS10 c.1510_1511delAT variant is predicted to result in a frameshift and premature protein termination (p.Ile504Serfs*17). This variant has been reported along with a second pathogenic BBS10 variant in an individual with Bardet-Biedl syndrome (reported as c.1509_1510delTA (p.Tyr503Tyrfs*17) in Alvarez-Satta et al. 2014. PubMed ID: 24611592). This variant has not been reported in a large population database, indicating this variant is rare. Frameshift variants in BBS10 are expected to be pathogenic. This variant is interpreted as pathogenic.

Labcorp Genetics (formerly Invitae), Labcorp
Classification: Pathogenic for Bardet-Biedl syndrome. Last evaluated: 2024-09-17. Review status: criteria provided, single submitter. Criteria: Invitae Variant Classification Sherloc (09022015). Collection method: clinical testing. Allele origin: germline.
Comment: This sequence change creates a premature translational stop signal (p.Ile504Serfs*17) in the BBS10 gene. While this is not anticipated to result in nonsense mediated decay, it is expected to disrupt the last 220 amino acid(s) of the BBS10 protein. This variant is not present in population databases (gnomAD no frequency). This premature translational stop signal has been observed in individual(s) with Bardet-Biedl syndrome (PMID: 24611592). This variant is also known as c.1509_1510delTA. ClinVar contains an entry for this variant (Variation ID: 288255). This variant disrupts a region of the BBS10 protein in which other variant(s) (p.Val707*) have been determined to be pathogenic (PMID: 20472660, 25982971, 27486776). This suggests that this is a clinically significant region of the protein, and that variants that disrupt it are likely to be disease-causing. For these reasons, this variant has been classified as Pathogenic.

Baylor Genetics
Classification: Pathogenic for Bardet-Biedl syndrome 10. Last evaluated: 2023-05-10. Review status: criteria provided, single submitter. Criteria: ACMG Guidelines, 2015. Collection method: clinical testing. Allele origin: unknown.

Eurofins Ntd Llc (ga)
Classification: Pathogenic. Last evaluated: 2016-05-19. Review status: criteria provided, single submitter. Criteria: EGL Classification Definitions 2015. Collection method: clinical testing. Allele origin: germline. Observed: 1 variant allele, 1 heterozygote.

Counsyl
Classification: Likely pathogenic for Bardet-Biedl syndrome 10. Last evaluated: 2016-07-15. Review status: no assertion criteria provided. Collection method: clinical testing. Allele origin: unknown. Not counted in ClinVar's aggregate classification.

Literature cited by the submitters: PubMed 38576124 (cited by Natera, Inc.); PubMed 24611592 (cited by 3 submitters); PubMed 35835773 (cited by Natera, Inc.); PubMed 20472660 (cited by Labcorp Genetics (formerly Invitae), Labcorp); PubMed 25982971 (cited by Labcorp Genetics (formerly Invitae), Labcorp); PubMed 27486776 (cited by Labcorp Genetics (formerly Invitae), Labcorp).

NM_024685.4(BBS10):c.1510_1511del (p.Ile504fs)

Gene: BBS10 (Bardet-Biedl syndrome 10; minus strand). Cytogenetic location: 12q21.2.
Variant type: Microsatellite.
Coding change: c.1510_1511del on transcript NM_024685.4 (MANE Select); coding-DNA positions 1510 to 1511, 2 bases deleted (AT; older notation c.1510_1511delAT).
Protein change: p.Ile504fs; shifts the reading frame from isoleucine 504.
Molecular consequence: frameshift variant.
Genome position (GRCh38, 1-based): chr12:76,346,474-76,346,475, AT deleted on the plus strand (AT on the coding strand, the reverse complement: BBS10 is on the minus strand); deleting any 2 consecutive bases within chr12:76,346,474-76,346,479 gives the same sequence; the c. name uses the placement nearest the transcript's 3' end. VCF-style (leftmost placement, unchanged base first): chr12-76346473-AAT-A. GRCh37 (hg19) VCF-style: chr12-76740253-AAT-A.
Other names: c.1510_1511del (NM_024685.3); short protein forms I504fs.
Identifiers: ClinVar variation 288255 (VCV000288255.20), dbSNP rs886043841, ClinGen allele CA10606017.